The following is an entry in ClinVar:

NM_000094.4(COL7A1):c.1240+1G>T

Gene: COL7A1 (collagen type VII alpha 1 chain; minus strand). Cytogenetic location: 3p21.31.
Variant type: single nucleotide variant.
Coding change: c.1240+1G>T on transcript NM_000094.4 (MANE Select); the canonical splice donor site of the intron after coding-DNA position 1240, G replaced by T.
Molecular consequence: splice donor variant.
Genome position (GRCh38, 1-based): chr3:48,592,101, C>A on the plus strand (G>T on the coding strand, the complement: COL7A1 is on the minus strand). VCF-style: chr3-48592101-C-A. GRCh37 (hg19) VCF-style: chr3-48629534-C-A.
Identifiers: ClinVar variation 1068311 (VCV001068311.6), dbSNP rs2107790996, ClinGen allele CA352736872.

ClinVar aggregate classification (germline): Likely pathogenic. Review status: criteria provided, multiple submitters, no conflicts (2 of 4 stars). 2 submissions from 2 submitters: Likely pathogenic (2). Last evaluated 2024-06-04.

Conditions:
Transient bullous dermolysis of the newborn (TBDN). Also called: EPIDERMOLYSIS BULLOSA DYSTROPHICA, NEONATAL FORM; DYSTROPHIC EPIDERMOLYSIS BULLOSA, NEONATAL. Identifiers: Orphanet 79411, MedGen C1851573, MONDO:0007548, OMIM 131705.
Recessive dystrophic epidermolysis bullosa (RDEB). Also called: Recessive DEB (RDEB); DYSTROPHIC EPIDERMOLYSIS BULLOSA, AUTOSOMAL RECESSIVE; EPIDERMOLYSIS BULLOSA DYSTROPHICA, HALLOPEAU-SIEMENS TYPE; Epidermolysis Bullosa Distrophica Autosomal Recessive (RDEB); Hallopeau-Siemens Disease; severe generalized recessive dystrophic epidermolysis bullosa. Identifiers: Orphanet 79408, Orphanet 79409, MedGen C0079474, MONDO:0009179, OMIM 226600.
Nonsyndromic congenital nail disorder 8. Also called: TOENAIL DYSTROPHY, ISOLATED. Identifiers: MedGen C1843761, MONDO:0011852, OMIM 607523.
Epidermolysis bullosa pruriginosa. Also called: DEB, PRURIGINOSA; DYSTROPHIC EPIDERMOLYSIS BULLOSA PRURIGINOSA. Identifiers: Orphanet 89843, MedGen C1275114, MONDO:0011398, OMIM 604129.
Pretibial dystrophic epidermolysis bullosa. Also called: EPIDERMOLYSIS BULLOSA DYSTROPHICA, PRETIBIAL; Pretibial epidermolysis bullosa; Pretibial blistering. Identifiers: Orphanet 79410, MedGen C0432321, MONDO:0007552, OMIM 131850, HP:0012221.
Dominant dystrophic epidermolysis bullosa with absence of skin. Also called: EPIDERMOLYSIS BULLOSA DYSTROPHICA, BART TYPE; EPIDERMOLYSIS BULLOSA WITH CONGENITAL LOCALIZED ABSENCE OF SKIN AND DEFORMITY OF NAILS. Identifiers: MedGen C0268371, MONDO:0007557, OMIM 132000.
Generalized dominant dystrophic epidermolysis bullosa (DDEB). Also called: Dominant DEB (DDEB); DDEB, generalized; DDEB-gen; DYSTROPHIC EPIDERMOLYSIS BULLOSA, AUTOSOMAL DOMINANT; Epidermolysis bullosa dystrophica, autosomal dominant. Identifiers: Orphanet 231568, MedGen C0432322, MONDO:0007549, OMIM 131750.

Submissions (2):

Fulgent Genetics
Classification: Likely pathogenic for Transient bullous dermolysis of the newborn; Generalized dominant dystrophic epidermolysis bullosa; Pretibial dystrophic epidermolysis bullosa; Dominant dystrophic epidermolysis bullosa with absence of skin; Recessive dystrophic epidermolysis bullosa; Epidermolysis bullosa pruriginosa; Nonsyndromic congenital nail disorder 8. Last evaluated: 2024-06-04. Review status: criteria provided, single submitter. Criteria: ACMG Guidelines, 2015. Collection method: clinical testing. Allele origin: germline.

Labcorp Genetics (formerly Invitae), Labcorp
Classification: Likely pathogenic. Last evaluated: 2020-04-26. Review status: criteria provided, single submitter. Criteria: Invitae Variant Classification Sherloc (09022015). Collection method: clinical testing. Allele origin: germline.
Comment: In summary, the currently available evidence indicates that the variant is pathogenic, but additional data are needed to prove that conclusively. Therefore, this variant has been classified as Likely Pathogenic. Donor and acceptor splice site variants typically lead to a loss of protein function (PMID: 16199547), and loss-of-function variants in COL7A1 are known to be pathogenic (PMID: 16971478). Algorithms developed to predict the effect of sequence changes on RNA splicing suggest that this variant may disrupt the consensus splice site, but this prediction has not been confirmed by published transcriptional studies. This variant has not been reported in the literature in individuals with COL7A1-related conditions. This variant is not present in population databases (ExAC no frequency). This sequence change affects a donor splice site in intron 9 of the COL7A1 gene. It is expected to disrupt RNA splicing and likely results in an absent or disrupted protein product.

Literature cited by the submitters: PubMed 16199547 (cited by Labcorp Genetics (formerly Invitae), Labcorp); PubMed 16971478 (cited by Labcorp Genetics (formerly Invitae), Labcorp).